The following is an entry in ClinVar:

NM_015102.5(NPHP4):c.2998A>G (p.Asn1000Asp)

Gene: NPHP4 (nephrocystin 4; minus strand). Cytogenetic location: 1p36.31.
Variant type: single nucleotide variant.
Coding change: c.2998A>G on transcript NM_015102.5 (MANE Select); coding-DNA position 2998, A replaced by G.
Protein change: p.Asn1000Asp; replaces asparagine 1000 with aspartic acid.
Molecular consequence: missense variant. On other transcripts: non-coding transcript variant (1).
Genome position (GRCh38, 1-based): chr1:5,874,920, T>C on the plus strand (A>G on the coding strand, the complement: NPHP4 is on the minus strand). VCF-style: chr1-5874920-T-C. GRCh37 (hg19) VCF-style: chr1-5934980-T-C.
Other names: c.1459A>G, p.Asn487Asp (NM_001291593.2); c.1462A>G, p.Asn488Asp (NM_001291594.2); c.2998A>G (NM_015102.3); short protein forms N1000D, N487D, N488D.
Identifiers: ClinVar variation 1413938 (VCV001413938.5), dbSNP rs766073255, ClinGen allele CA553849.

ClinVar aggregate classification (germline): Uncertain significance. Review status: criteria provided, multiple submitters, no conflicts (2 of 4 stars). 3 submissions from 3 submitters: Uncertain significance (3). Last evaluated 2024-12-05.

Conditions:
Nephronophthisis. Also called: Juvenile Nephronophthisis. Identifiers: Orphanet 655, MedGen C0687120, MONDO:0019005, HP:0000090.
Inborn genetic diseases. Identifiers: MedGen C0950123, MeSH D030342.
Nephronophthisis 4 (NPHP4). Also called: NEPHRONOPHTHISIS 4, JUVENILE. Identifiers: Orphanet 655, MedGen C1847013, MONDO:0011752, OMIM 606966.
Senior-Loken syndrome 4 (SLSN4). Identifiers: Orphanet 3156, MedGen C1846979, MONDO:0011756, OMIM 606996.

Allele frequency attached by ClinVar (database versions not stated): gnomAD 0.00002 and 0.00003; ExAC 0.00004; 1000 Genomes Project 30x 0.00016.
gnomAD v4.1: 9 of 1,613,604 alleles (0.00056%); highest among the groups gnomAD compares: East Asian, 0.016%; no homozygotes.

Submissions (3):

Ambry Genetics
Classification: Uncertain significance for Inborn genetic diseases. Last evaluated: 2024-12-05. Review status: criteria provided, single submitter. Criteria: Ambry Variant Classification Scheme 2023. Collection method: clinical testing. Allele origin: germline.

Labcorp Genetics (formerly Invitae), Labcorp
Classification: Uncertain significance for Nephronophthisis. Last evaluated: 2022-07-26. Review status: criteria provided, single submitter. Criteria: Invitae Variant Classification Sherloc (09022015). Collection method: clinical testing. Allele origin: germline.
Comment: This sequence change replaces asparagine, which is neutral and polar, with aspartic acid, which is acidic and polar, at codon 1000 of the NPHP4 protein (p.Asn1000Asp). This variant is present in population databases (rs766073255, gnomAD 0.03%). This variant has not been reported in the literature in individuals affected with NPHP4-related conditions. ClinVar contains an entry for this variant (Variation ID: 1413938). Algorithms developed to predict the effect of missense changes on protein structure and function are either unavailable or do not agree on the potential impact of this missense change (SIFT: "Tolerated"; PolyPhen-2: "Possibly Damaging"; Align-GVGD: "Class C0"). In summary, the available evidence is currently insufficient to determine the role of this variant in disease. Therefore, it has been classified as a Variant of Uncertain Significance.

Fulgent Genetics
Classification: Uncertain significance for Nephronophthisis 4; Senior-Loken syndrome 4. Last evaluated: 2022-03-15. Review status: criteria provided, single submitter. Criteria: ACMG Guidelines, 2015. Collection method: clinical testing. Allele origin: unknown.